The following is an entry in ClinVar:

NM_172107.4(KCNQ2):c.590T>C (p.Leu197Pro)

Gene: KCNQ2 (potassium voltage-gated channel subfamily Q member 2; minus strand). Cytogenetic location: 20q13.33.
Variant type: single nucleotide variant.
Coding change: c.590T>C on transcript NM_172107.4 (MANE Select); coding-DNA position 590, T replaced by C.
Protein change: p.Leu197Pro; replaces leucine 197 with proline.
Molecular consequence: missense variant.
Genome position (GRCh38, 1-based): chr20:63,444,759, A>G on the plus strand (T>C on the coding strand, the complement: KCNQ2 is on the minus strand). VCF-style: chr20-63444759-A-G. GRCh37 (hg19) VCF-style: chr20-62076112-A-G.
Other names: c.590T>C, p.Leu197Pro (NM_004518.6, NM_172106.3, NM_172108.5 and 1 more transcripts); short protein forms L197P.
Identifiers: ClinVar variation 812790 (VCV000812790.3), dbSNP rs1600786071, ClinGen allele CA409654822.
Genomic context (GRCh38, chr20:63,444,759, plus strand): 5'-GTGCCTCCCCGCCGGTCCATGCGGATCATCCGCAGAATCTGCAGGAAGCGCAGGCTCCGG[A>G]GCGCAGATGTGGCAAAGACGTTGCCCTGGGAGCCGGCGGCCAGCACCGCAATGGAGGCGA-3'
Protein context (NP_742105.1, residues 187-207): SQGNVFATSA[Leu197Pro]RSLRFLQILR

ClinVar aggregate classification (germline): Pathogenic. Review status: criteria provided, single submitter (1 of 4 stars). 2 submissions from 2 submitters: Pathogenic (1). 1 of the submissions does not count toward it. Last evaluated 2025-12-02.

Conditions:
Epileptic encephalopathy. Identifiers: MedGen C0543888, HP:0200134.
Early-infantile DEE. Also called: Ohtahara syndrome; Early infantile epileptic encephalopathy; Early infantile epileptic encephalopathy with suppression bursts. Identifiers: Orphanet 1934, MedGen C0393706, MONDO:0800491.

Submissions (2):

Labcorp Genetics (formerly Invitae), Labcorp
Classification: Pathogenic for Early-infantile DEE. Last evaluated: 2025-12-02. Review status: criteria provided, single submitter. Criteria: Invitae Variant Classification Sherloc (09022015). Collection method: clinical testing. Allele origin: germline.
Comment: This sequence change replaces leucine, which is neutral and non-polar, with proline, which is neutral and non-polar, at codon 197 of the KCNQ2 protein (p.Leu197Pro). This variant is not present in population databases (gnomAD no frequency). This missense change has been observed in individual(s) with KCNQ2-related conditions (PMID: 32581362, 37541188; internal data). In at least one individual the variant was observed to be de novo. ClinVar contains an entry for this variant (Variation ID: 812790). Invitae Evidence Modeling of protein sequence and biophysical properties (such as structural, functional, and spatial information, amino acid conservation, physicochemical variation, residue mobility, and thermodynamic stability) indicates that this missense variant is expected to disrupt KCNQ2 protein function with a positive predictive value of 95%. For these reasons, this variant has been classified as Pathogenic.

NIHR Bioresource Rare Diseases, University of Cambridge
Classification: Likely pathogenic for Epileptic encephalopathy. Review status: no assertion criteria provided. Collection method: research. Allele origin: unknown. Affected: yes. Observed: 1 variant allele. Not counted in ClinVar's aggregate classification.

Literature cited by the submitters: PubMed 32581362 (cited by Labcorp Genetics (formerly Invitae), Labcorp and NIHR Bioresource Rare Diseases, University of Cambridge); PubMed 37541188 (cited by Labcorp Genetics (formerly Invitae), Labcorp).